The following is an entry in ClinVar:

ClinVar aggregate classification (germline): Uncertain significance (1 of 4 stars; one submission).

Conditions:
Kabuki syndrome. Also called: NIIKAWA-KUROKI SYNDROME; Kabuki make-up syndrome. Identifiers: Orphanet 2322, MedGen C0796004, MONDO:0016512.

Submission:

Labcorp Genetics (formerly Invitae), Labcorp
Classification: Uncertain significance for Kabuki syndrome. Last evaluated: 2024-08-19. Review status: criteria provided, single submitter. Criteria: Invitae Variant Classification Sherloc (09022015). Collection method: clinical testing. Allele origin: germline.
Comment: This sequence change falls in intron 29 of the KMT2D gene. It does not directly change the encoded amino acid sequence of the KMT2D protein. Information on the frequency of this variant in the gnomAD database is not available, as this variant may be reported differently in the database. This variant has not been reported in the literature in individuals affected with KMT2D-related conditions. Experimental studies and prediction algorithms are not available or were not evaluated, and the effect of this variant on mRNA splicing is currently unknown. In summary, the available evidence is currently insufficient to determine the role of this variant in disease. Therefore, it has been classified as a Variant of Uncertain Significance.

NM_003482.4(KMT2D):c.6184-21_6184-20delinsTT

Gene: KMT2D (lysine methyltransferase 2D; minus strand). Cytogenetic location: 12q13.12.
Variant type: Indel.
Coding change: c.6184-21_6184-20delinsTT on transcript NM_003482.4 (MANE Select); 21 bases into the intron before coding-DNA position 6184 through 20 bases into the intron before coding-DNA position 6184, GC replaced by TT.
Molecular consequence: intron variant.
Genome position (GRCh38, 1-based): chr12:49,041,725-49,041,726, GC replaced by AA on the plus strand (GC replaced by TT on the coding strand, the reverse complement: KMT2D is on the minus strand). VCF-style: chr12-49041725-GC-AA. GRCh37 (hg19) VCF-style: chr12-49435508-GC-AA.
Identifiers: ClinVar variation 3675542 (VCV003675542.2).